The following is an entry in ClinVar:

NM_006383.4(CIB2):c.482A>C (p.Asp161Ala)

Gene: CIB2 (calcium and integrin binding family member 2; minus strand). Cytogenetic location: 15q25.1.
Variant type: single nucleotide variant.
Coding change: c.482A>C on transcript NM_006383.4 (MANE Select); coding-DNA position 482, A replaced by C.
Protein change: p.Asp161Ala; replaces aspartic acid 161 with alanine.
Molecular consequence: missense variant. On other transcripts: non-coding transcript variant (1).
Genome position (GRCh38, 1-based): chr15:78,105,799, T>G on the plus strand (A>C on the coding strand, the complement: CIB2 is on the minus strand). VCF-style: chr15-78105799-T-G. GRCh37 (hg19) VCF-style: chr15-78398141-T-G.
Other names: c.353A>C, p.Asp118Ala (NM_001271888.2); c.335A>C, p.Asp112Ala (NM_001271889.2); c.497A>C, p.Asp166Ala (NM_001301224.2); short protein forms D161A, D112A, D118A, D166A.
Identifiers: ClinVar variation 2016077 (VCV002016077.4), dbSNP rs2548807385, ClinGen allele CA393545478.

ClinVar aggregate classification (germline): Uncertain significance (1 of 4 stars; one submission).

Submission:

Labcorp Genetics (formerly Invitae), Labcorp
Classification: Uncertain significance. Last evaluated: 2022-07-21. Review status: criteria provided, single submitter. Criteria: Invitae Variant Classification Sherloc (09022015). Collection method: clinical testing. Allele origin: germline.
Comment: In summary, the available evidence is currently insufficient to determine the role of this variant in disease. Therefore, it has been classified as a Variant of Uncertain Significance. Algorithms developed to predict the effect of missense changes on protein structure and function are either unavailable or do not agree on the potential impact of this missense change (SIFT: "Not Available"; PolyPhen-2: "Probably Damaging"; Align-GVGD: "Not Available"). This variant has not been reported in the literature in individuals affected with CIB2-related conditions. This variant is not present in population databases (gnomAD no frequency). This sequence change replaces aspartic acid, which is acidic and polar, with alanine, which is neutral and non-polar, at codon 161 of the CIB2 protein (p.Asp161Ala).